The following is an entry in ClinVar:

ClinVar aggregate classification (germline): Pathogenic (1 of 4 stars; one submission).

Conditions:
Primary ciliary dyskinesia 7. Also called: CILIARY DYSKINESIA, PRIMARY, 7, WITH OR WITHOUT SITUS INVERSUS. Identifiers: Orphanet 244, MedGen C2678473, MONDO:0012748, OMIM 611884.

Submission:

Broad Center for Mendelian Genomics, Broad Institute of MIT and Harvard
Classification: Pathogenic for Primary ciliary dyskinesia 7. Last evaluated: 2025-02-11. Review status: criteria provided, single submitter. Criteria: ACMG Guidelines, 2015. Collection method: curation. Allele origin: germline. Inheritance: Autosomal recessive inheritance.
Comment: The p.Trp904Ter variant in DNAH11 has been reported, in the compound heterozygous state, in 1 individual with primary ciliary dyskinesia (PMID: 24450482), and has been identified in 0.0003% (3/1166090) of European non-Finnish chromosomes by the Genome Aggregation Database (gnomAD; dbSNP rs1376392510). Although this variant has been seen in the general population in a heterozygous state, its frequency is low enough to be consistent with a recessive carrier frequency. This nonsense variant leads to a premature termination codon at position 904, which is predicted to lead to a truncated or absent protein. Loss of function of the DNAH11 gene is an established disease mechanism in autosomal recessive primary ciliary dyskinesia. In summary, this variant meets criteria to be classified as pathogenic for autosomal recessive primary ciliary dyskinesia. ACMG/AMP Criteria applied: PVS1, PM2_supporting, PM3 (Richards 2015).

NM_001277115.2(DNAH11):c.2712G>A (p.Trp904Ter)

Gene: DNAH11 (dynein axonemal heavy chain 11; plus strand). Cytogenetic location: 7p15.3.
Variant type: single nucleotide variant.
Coding change: c.2712G>A on transcript NM_001277115.2 (MANE Select); coding-DNA position 2712, G replaced by A.
Protein change: p.Trp904Ter; replaces tryptophan 904 with a stop codon.
Molecular consequence: nonsense.
Genome position (GRCh38, 1-based): chr7:21,599,831, G>A. VCF-style: chr7-21599831-G-A. GRCh37 (hg19) VCF-style: chr7-21639449-G-A.
Other names: NM_001277115.2:c.2712G>A; short protein forms W904*.
Identifiers: ClinVar variation 3776912 (VCV003776912.1).